The following is an entry in ClinVar:

NM_004655.4(AXIN2):c.2185A>G (p.Thr729Ala)

Gene: AXIN2 (axin 2; minus strand). Cytogenetic location: 17q24.1.
Variant type: single nucleotide variant.
Coding change: c.2185A>G on transcript NM_004655.4 (MANE Select); coding-DNA position 2185, A replaced by G.
Protein change: p.Thr729Ala; replaces threonine 729 with alanine.
Molecular consequence: missense variant.
Genome position (GRCh38, 1-based): chr17:65,535,678, T>C on the plus strand (A>G on the coding strand, the complement: AXIN2 is on the minus strand). VCF-style: chr17-65535678-T-C. GRCh37 (hg19) VCF-style: chr17-63531796-T-C.
Other names: c.1990A>G, p.Thr664Ala (NM_001363813.1); short protein forms T729A, T664A.
Identifiers: ClinVar variation 855772 (VCV000855772.12), dbSNP rs769016231, ClinGen allele CA8718382.

ClinVar aggregate classification (germline): Uncertain significance. Review status: criteria provided, multiple submitters, no conflicts (2 of 4 stars). 2 submissions from 2 submitters: Uncertain significance (2). Last evaluated 2025-02-11.

Conditions:
Oligodontia-cancer predisposition syndrome. Also called: TOOTH AGENESIS-COLORECTAL CANCER SYNDROME. Identifiers: Orphanet 300576, MedGen C1837750, MONDO:0012075, OMIM 608615. Disease mechanism: loss of function.
Hereditary cancer-predisposing syndrome. Also called: Tumor predisposition; Hereditary neoplastic syndrome; Neoplastic Syndromes, Hereditary; Hereditary Cancer Syndrome. Identifiers: Orphanet 140162, MedGen C0027672, MeSH D009386, MONDO:0015356.

Allele frequency attached by ClinVar (database versions not stated): gnomAD exomes below 0.00001; ExAC 0.00001.
gnomAD v4.1: 1 of 1,614,204 alleles (0.000062%); highest among the groups gnomAD compares: East Asian, 0.0022%; no homozygotes.

Submissions (2):

Labcorp Genetics (formerly Invitae), Labcorp
Classification: Uncertain significance for Oligodontia-cancer predisposition syndrome. Last evaluated: 2025-02-11. Review status: criteria provided, single submitter. Criteria: Invitae Variant Classification Sherloc (09022015). Collection method: clinical testing. Allele origin: germline.
Comment: This sequence change replaces threonine, which is neutral and polar, with alanine, which is neutral and non-polar, at codon 729 of the AXIN2 protein (p.Thr729Ala). This variant is present in population databases (rs769016231, gnomAD 0.006%). This variant has not been reported in the literature in individuals affected with AXIN2-related conditions. ClinVar contains an entry for this variant (Variation ID: 855772). An algorithm developed to predict the effect of missense changes on protein structure and function outputs the following: PolyPhen-2: "Benign". The alanine amino acid residue is found in multiple mammalian species, which suggests that this missense change does not adversely affect protein function. In summary, the available evidence is currently insufficient to determine the role of this variant in disease. Therefore, it has been classified as a Variant of Uncertain Significance.

Ambry Genetics
Classification: Uncertain significance for Hereditary cancer-predisposing syndrome. Last evaluated: 2023-09-18. Review status: criteria provided, single submitter. Criteria: Ambry Variant Classification Scheme 2023. Collection method: clinical testing. Allele origin: germline.
Comment: The p.T729A variant (also known as c.2185A>G), located in coding exon 8 of the AXIN2 gene, results from an A to G substitution at nucleotide position 2185. The threonine at codon 729 is replaced by alanine, an amino acid with similar properties. This amino acid position is not well conserved in available vertebrate species, and alanine is the reference amino acid in other vertebrate species. In addition, this alteration is predicted to be tolerated by in silico analysis. Since supporting evidence is limited at this time, the clinical significance of this alteration remains unclear.